The following is an entry in ClinVar:

ClinVar aggregate classification (germline): Likely benign. Review status: criteria provided, multiple submitters, no conflicts (2 of 4 stars). 2 submissions from 2 submitters: Likely benign (2). Last evaluated 2025-10-27.

Conditions:
Joubert syndrome. Also called: JOUBERT-BOLTSHAUSER SYNDROME; Familial aplasia of the vermis. Identifiers: Orphanet 475, MedGen C5979921, MONDO:0018772.
Orofaciodigital syndrome I (OFD1). Also called: OFDS I; Papillon-Leage and Psaume Syndrome; Oral-Facial-Digital Syndrome Type I. Identifiers: Orphanet 2750, MedGen C1510460, MONDO:0010702, OMIM 311200.

Allele frequency attached by ClinVar (database versions not stated): gnomAD exomes below 0.00001.
gnomAD v4.1: 2 of 1,210,655 alleles (0.00017%); highest among the groups gnomAD compares: African/African-American, 0.0017%; no homozygotes.

Submissions (2):

Labcorp Genetics (formerly Invitae), Labcorp
Classification: Likely benign for Orofaciodigital syndrome I; Joubert syndrome. Last evaluated: 2025-10-27. Review status: criteria provided, single submitter. Criteria: Invitae Variant Classification Sherloc (09022015). Collection method: clinical testing. Allele origin: germline.

CeGaT Center for Human Genetics Tuebingen
Classification: Likely benign. Last evaluated: 2023-09-01. Review status: criteria provided, single submitter. Criteria: CeGaT Center For Human Genetics Tuebingen Variant Classification Criteria Version 2. Collection method: clinical testing. Allele origin: germline. Affected: yes. Observed: 1 variant allele.
Comment: OFD1: PM2:Supporting, BP4, BP7

NM_003611.3(OFD1):c.126C>T (p.Asn42=)

Gene: OFD1 (OFD1 centriole and centriolar satellite protein; plus strand). Cytogenetic location: Xp22.2.
Variant type: single nucleotide variant.
Coding change: c.126C>T on transcript NM_003611.3 (MANE Select); coding-DNA position 126, C replaced by T.
Protein change: p.Asn42=; no amino-acid change (asparagine 42 retained).
Molecular consequence: synonymous variant. On other transcripts: 5 prime UTR variant (1).
Genome position (GRCh38, 1-based): chrX:13,736,492, C>T. VCF-style: chrX-13736492-C-T. GRCh37 (hg19) VCF-style: chrX-13754611-C-T.
Other names: c.126C>T, p.Asn42= (NM_001330209.2); c.-420C>T (NM_001330210.2).
Identifiers: ClinVar variation 2660029 (VCV002660029.26), dbSNP rs2046872548, ClinGen allele CA515462180.